The following is an entry in ClinVar:

NM_001113491.2(SEPTIN9):c.676A>C (p.Lys226Gln)

Gene: SEPTIN9 (septin 9; plus strand). Cytogenetic location: 17q25.3.
Variant type: single nucleotide variant.
Coding change: c.676A>C on transcript NM_001113491.2 (MANE Select); coding-DNA position 676, A replaced by C.
Protein change: p.Lys226Gln; replaces lysine 226 with glutamine.
Molecular consequence: missense variant.
Genome position (GRCh38, 1-based): chr17:77,402,658, A>C. VCF-style: chr17-77402658-A-C. GRCh37 (hg19) VCF-style: chr17-75398740-A-C.
Other names: c.655A>C, p.Lys219Gln (NM_001113493.2); c.184A>C, p.Lys62Gln (NM_001113494.1, NM_001113492.2); c.619A>C, p.Lys207Gln (NM_001293695.2); c.622A>C, p.Lys208Gln (NM_006640.5); short protein forms K226Q, K207Q, K62Q, K208Q, K219Q.
Identifiers: ClinVar variation 4777275 (VCV004777275.1).

ClinVar aggregate classification (germline): Uncertain significance (1 of 4 stars; one submission).

gnomAD v4.1: 1 of 1,611,196 alleles (0.000062%); highest among the groups gnomAD compares: Non-Finnish European, 0.000085%; no homozygotes.

Submission:

Labcorp Genetics (formerly Invitae), Labcorp
Classification: Uncertain significance. Last evaluated: 2025-07-21. Review status: criteria provided, single submitter. Criteria: Invitae Variant Classification Sherloc (09022015). Collection method: clinical testing. Allele origin: germline.
Comment: This sequence change replaces lysine, which is basic and polar, with glutamine, which is neutral and polar, at codon 208 of the SEPT9 protein (p.Lys208Gln). This variant is not present in population databases (gnomAD no frequency). This variant has not been reported in the literature in individuals affected with SEPT9-related conditions. Invitae Evidence Modeling of protein sequence and biophysical properties (such as structural, functional, and spatial information, amino acid conservation, physicochemical variation, residue mobility, and thermodynamic stability) indicates that this missense variant is not expected to disrupt SEPT9 protein function with a negative predictive value of 80%. In summary, the available evidence is currently insufficient to determine the role of this variant in disease. Therefore, it has been classified as a Variant of Uncertain Significance.